The following is an entry in ClinVar:

NM_001385012.1(NBEA):c.8310_8311delinsTT (p.Leu2771Phe)

Gene: NBEA (neurobeachin; plus strand). Cytogenetic location: 13q13.3.
Variant type: Indel.
Coding change: c.8310_8311delinsTT on transcript NM_001385012.1 (MANE Select); coding-DNA positions 8310 to 8311, GC replaced by TT.
Protein change: p.Leu2771Phe; replaces leucine 2771 with phenylalanine.
Molecular consequence: missense variant.
Genome position (GRCh38, 1-based): chr13:35,655,697-35,655,698, GC replaced by TT. VCF-style: chr13-35655697-GC-TT. GRCh37 (hg19) VCF-style: chr13-36229834-GC-TT.
Other names: c.1626_1627delinsTT, p.Leu543Phe (NM_001204197.3); c.8301_8302delinsTT, p.Leu2768Phe (NM_001379245.1); c.8247_8248delinsTT, p.Leu2750Phe (NM_015678.5); short protein forms L2750F, L2768F, L2771F, L543F.
Identifiers: ClinVar variation 4846871 (VCV004846871.1).
Genomic context (GRCh38, chr13:35,655,697, plus strand): 5'-CGAGTCATACATTGGTGGGGACTGCTACATCGTGTCCGGATCTCGAGATGCCACCCTGCT[GC>TT]TCTGGTACTGGAGTGGGCGGCACCATATCATAGGAGACAACCCTAACAGCAGTGAGTGTT-3'
Protein context (NP_001371941.1, residues 2761-2781): VSGSRDATLL[Leu2771Phe]WYWSGRHHII

ClinVar aggregate classification (germline): Uncertain significance (1 of 4 stars; one submission).

Conditions:
Neurodevelopmental disorder with or without early-onset generalized epilepsy. Identifiers: MedGen C5436914, MONDO:0030930, OMIM 619157.

Submission:

Laboratorio de Genetica e Diagnostico Molecular, Hospital Israelita Albert Einstein
Classification: Uncertain significance for Neurodevelopmental disorder with or without early-onset generalized epilepsy. Last evaluated: 2025-07-18. Review status: criteria provided, single submitter. Criteria: ACMG Guidelines, 2015. Collection method: clinical testing. Allele origin: germline. Affected: yes.
Comment: ACMG classification criteria: PM2 supporting, PP2 supporting